The following is an entry in ClinVar:

NM_000051.4(ATM):c.3247_3260del (p.His1083fs)

Gene: ATM (ATM serine/threonine kinase; plus strand). Cytogenetic location: 11q22.3.
Variant type: Deletion.
Coding change: c.3247_3260del on transcript NM_000051.4 (MANE Select); coding-DNA positions 3247 to 3260, 14 bases deleted (CACCAAGTTCGCAT).
Protein change: p.His1083fs; shifts the reading frame from histidine 1083.
Molecular consequence: frameshift variant.
Genome position (GRCh38, 1-based): chr11:108,272,815-108,272,828, CACCAAGTTCGCAT deleted; deleting any 14 consecutive bases within chr11:108,272,812-108,272,828 gives the same sequence; the c. name uses the placement nearest the transcript's 3' end. VCF-style (leftmost placement, unchanged base first): chr11-108272811-TCATCACCAAGTTCG-T. GRCh37 (hg19) VCF-style: chr11-108143538-TCATCACCAAGTTCG-T.
Other names: c.3247_3260del, p.His1083fs (NM_001351834.2); c.3247_3260del14 (NM_000051.3); short protein forms H1083fs.
Identifiers: ClinVar variation 1729350 (VCV001729350.2), dbSNP rs2546833960, ClinGen allele CA2580083348.

ClinVar aggregate classification (germline): Pathogenic (1 of 4 stars; one submission).

Conditions:
Hereditary cancer-predisposing syndrome. Also called: Neoplastic Syndromes, Hereditary; Tumor predisposition; Hereditary Cancer Syndrome; Hereditary neoplastic syndrome. Identifiers: Orphanet 140162, MedGen C0027672, MeSH D009386, MONDO:0015356.

Submission:

Ambry Genetics
Classification: Pathogenic for Hereditary cancer-predisposing syndrome. Last evaluated: 2020-06-30. Review status: criteria provided, single submitter. Criteria: Ambry Variant Classification Scheme 2023. Collection method: clinical testing. Allele origin: germline.
Comment: The c.3247_3260del14 pathogenic mutation, located in coding exon 21 of the ATM gene, results from a deletion of 14 nucleotides at nucleotide positions 3247 to 3260, causing a translational frameshift with a predicted alternate stop codon (p.H1083Vfs*8). This alteration is expected to result in loss of function by premature protein truncation or nonsense-mediated mRNA decay. As such, this alteration is interpreted as a disease-causing mutation.